The following is an entry in ClinVar:

NM_002691.4(POLD1):c.1836G>A (p.Met612Ile)

Gene: POLD1 (DNA polymerase delta 1, catalytic subunit; plus strand). Cytogenetic location: 19q13.33.
Variant type: single nucleotide variant.
Coding change: c.1836G>A on transcript NM_002691.4 (MANE Select); coding-DNA position 1836, G replaced by A.
Protein change: p.Met612Ile; replaces methionine 612 with isoleucine.
Molecular consequence: missense variant. On other transcripts: non-coding transcript variant (1).
Genome position (GRCh38, 1-based): chr19:50,408,845, G>A. VCF-style: chr19-50408845-G-A. GRCh37 (hg19) VCF-style: chr19-50912102-G-A.
Other names: c.1836G>A, p.Met612Ile (NM_001256849.1); c.1914G>A, p.Met638Ile (NM_001308632.1); c.1836G>A (NM_002691.2); short protein forms M612I, M638I.
Identifiers: ClinVar variation 1305648 (VCV001305648.8), dbSNP rs2038991679, ClinGen allele CA406982056.

ClinVar aggregate classification (germline): Uncertain significance. Review status: criteria provided, multiple submitters, no conflicts (2 of 4 stars). 3 submissions from 3 submitters: Uncertain significance (3). Last evaluated 2025-12-19.

Conditions:
POLD1-related polyposis and colorectal cancer syndrome (CRCS10). Also called: Colorectal cancer, susceptibility to, 10; Colorectal cancer 10; COLORECTAL CANCER, SUSCEPTIBILITY TO, ON CHROMOSOME 19q. Identifiers: Orphanet 220460, MedGen C2675481, MONDO:0012953, OMIM 612591.
Hereditary cancer-predisposing syndrome. Also called: Tumor predisposition; Hereditary Cancer Syndrome; Hereditary neoplastic syndrome; Neoplastic Syndromes, Hereditary. Identifiers: Orphanet 140162, MedGen C0027672, MeSH D009386, MONDO:0015356.

gnomAD v4.1: 1 of 1,614,078 alleles (0.000062%); no homozygotes.

Submissions (3):

Ambry Genetics
Classification: Uncertain significance for Hereditary cancer-predisposing syndrome. Last evaluated: 2025-12-19. Review status: criteria provided, single submitter. Criteria: Ambry Variant Classification Scheme 2023. Collection method: clinical testing. Allele origin: germline.
Comment: The p.M612I variant (also known as c.1836G>A), located in coding exon 14 of the POLD1 gene, results from a G to A substitution at nucleotide position 1836. The methionine at codon 612 is replaced by isoleucine, an amino acid with highly similar properties. This amino acid position is conserved. In addition, the in silico prediction for this alteration is inconclusive. Since supporting evidence is limited at this time, the clinical significance of this alteration remains unclear.

Labcorp Genetics (formerly Invitae), Labcorp
Classification: Uncertain significance for POLD1-related polyposis and colorectal cancer syndrome. Last evaluated: 2024-12-15. Review status: criteria provided, single submitter. Criteria: Invitae Variant Classification Sherloc (09022015). Collection method: clinical testing. Allele origin: germline.
Comment: This sequence change replaces methionine, which is neutral and non-polar, with isoleucine, which is neutral and non-polar, at codon 612 of the POLD1 protein (p.Met612Ile). This variant is not present in population databases (gnomAD no frequency). This variant has not been reported in the literature in individuals affected with POLD1-related conditions. ClinVar contains an entry for this variant (Variation ID: 1305648). Invitae Evidence Modeling of protein sequence and biophysical properties (such as structural, functional, and spatial information, amino acid conservation, physicochemical variation, residue mobility, and thermodynamic stability) indicates that this missense variant is not expected to disrupt POLD1 protein function with a negative predictive value of 80%. RNA analysis performed to evaluate the impact of this missense change on mRNA splicing indicates it does not significantly alter splicing (internal data). In summary, the available evidence is currently insufficient to determine the role of this variant in disease. Therefore, it has been classified as a Variant of Uncertain Significance.

GeneDx
Classification: Uncertain significance. Last evaluated: 2019-04-30. Review status: criteria provided, single submitter. Criteria: GeneDx Variant Classification Process June 2021. Collection method: clinical testing. Allele origin: germline. Affected: yes.
Comment: Not observed in large population cohorts (Lek et al., 2016); Has not been previously published as pathogenic or benign to our knowledge